The following is an entry in ClinVar:

ClinVar aggregate classification (germline): Uncertain significance (1 of 4 stars; one submission).

Allele frequency attached by ClinVar (database versions not stated): gnomAD 0.00001.
gnomAD v4.1: 1 of 1,613,922 alleles (0.000062%); highest among the groups gnomAD compares: African/African-American, 0.0013%; no homozygotes.

Submission:

Labcorp Genetics (formerly Invitae), Labcorp
Classification: Uncertain significance. Last evaluated: 2022-11-17. Review status: criteria provided, single submitter. Criteria: Invitae Variant Classification Sherloc (09022015). Collection method: clinical testing. Allele origin: germline.
Comment: In summary, the available evidence is currently insufficient to determine the role of this variant in disease. Therefore, it has been classified as a Variant of Uncertain Significance. Advanced modeling of protein sequence and biophysical properties (such as structural, functional, and spatial information, amino acid conservation, physicochemical variation, residue mobility, and thermodynamic stability) performed at Invitae indicates that this missense variant is not expected to disrupt FLI1 protein function. This variant has not been reported in the literature in individuals affected with FLI1-related conditions. This variant is present in population databases (no rsID available, gnomAD 0.01%). This sequence change replaces serine, which is neutral and polar, with threonine, which is neutral and polar, at codon 386 of the FLI1 protein (p.Ser386Thr).

NM_002017.5(FLI1):c.1156T>A (p.Ser386Thr)

Gene: FLI1 (Fli-1 proto-oncogene, ETS transcription factor; plus strand). Cytogenetic location: 11q24.3.
Variant type: single nucleotide variant.
Coding change: c.1156T>A on transcript NM_002017.5 (MANE Select); coding-DNA position 1156, T replaced by A.
Protein change: p.Ser386Thr; replaces serine 386 with threonine.
Molecular consequence: missense variant.
Genome position (GRCh38, 1-based): chr11:128,810,785, T>A. VCF-style: chr11-128810785-T-A. GRCh37 (hg19) VCF-style: chr11-128680680-T-A.
Other names: c.1057T>A, p.Ser353Thr (NM_001167681.3); c.958T>A, p.Ser320Thr (NM_001271010.2); c.577T>A, p.Ser193Thr (NM_001271012.2); short protein forms S386T, S193T, S320T, S353T.
Identifiers: ClinVar variation 2814834 (VCV002814834.3), dbSNP rs1266178629, ClinGen allele CA383239170.